The following is an entry in ClinVar:

NM_206933.4(USH2A):c.8559-1G>T

Gene: USH2A (usherin; minus strand). Cytogenetic location: 1q41.
Variant type: single nucleotide variant.
Coding change: c.8559-1G>T on transcript NM_206933.4 (MANE Select); the canonical splice acceptor site of the intron before coding-DNA position 8559, G replaced by T.
Molecular consequence: splice acceptor variant.
Genome position (GRCh38, 1-based): chr1:215,877,881, C>A on the plus strand (G>T on the coding strand, the complement: USH2A is on the minus strand). VCF-style: chr1-215877881-C-A. GRCh37 (hg19) VCF-style: chr1-216051223-C-A.
Identifiers: ClinVar variation 972137 (VCV000972137.9), dbSNP rs1664816177, ClinGen allele CA344830007.

ClinVar aggregate classification (germline): Pathogenic/Likely pathogenic. Review status: criteria provided, multiple submitters, no conflicts (2 of 4 stars). 2 submissions from 2 submitters: Pathogenic (1); Likely pathogenic (1). Last evaluated 2024-02-17.

Conditions:
Retinitis pigmentosa 39 (RP39). Identifiers: Orphanet 791, MedGen C3151138, MONDO:0013436, OMIM 613809.

Submissions (2):

Baylor Genetics
Classification: Likely pathogenic for Retinitis pigmentosa 39. Last evaluated: 2024-02-17. Review status: criteria provided, single submitter. Criteria: ACMG Guidelines, 2015. Collection method: clinical testing. Allele origin: unknown.

Labcorp Genetics (formerly Invitae), Labcorp
Classification: Pathogenic. Last evaluated: 2022-10-28. Review status: criteria provided, single submitter. Criteria: Invitae Variant Classification Sherloc (09022015). Collection method: clinical testing. Allele origin: germline.
Comment: For these reasons, this variant has been classified as Pathogenic. Algorithms developed to predict the effect of sequence changes on RNA splicing suggest that this variant may disrupt the consensus splice site. ClinVar contains an entry for this variant (Variation ID: 972137). Disruption of this splice site has been observed in individual(s) with Usher syndrome (PMID: 19023448, 19737284). In at least one individual the data is consistent with being in trans (on the opposite chromosome) from a pathogenic variant. It has also been observed to segregate with disease in related individuals. This variant is not present in population databases (gnomAD no frequency). This sequence change affects an acceptor splice site in intron 42 of the USH2A gene. It is expected to disrupt RNA splicing. Variants that disrupt the donor or acceptor splice site typically lead to a loss of protein function (PMID: 16199547), and loss-of-function variants in USH2A are known to be pathogenic (PMID: 10729113, 10909849, 20507924, 25649381).

Literature cited by the submitters: PubMed 19023448 (cited by Labcorp Genetics (formerly Invitae), Labcorp); PubMed 19737284 (cited by Labcorp Genetics (formerly Invitae), Labcorp); PubMed 16199547 (cited by Labcorp Genetics (formerly Invitae), Labcorp); PubMed 10729113 (cited by Labcorp Genetics (formerly Invitae), Labcorp); PubMed 10909849 (cited by Labcorp Genetics (formerly Invitae), Labcorp); PubMed 20507924 (cited by Labcorp Genetics (formerly Invitae), Labcorp); PubMed 25649381 (cited by Labcorp Genetics (formerly Invitae), Labcorp).